The following is an entry in ClinVar:

NM_001382430.1(AKT1):c.169G>A (p.Val57Met)

Gene: AKT1 (AKT serine/threonine kinase 1; minus strand). Cytogenetic location: 14q32.33.
Variant type: single nucleotide variant.
Coding change: c.169G>A on transcript NM_001382430.1 (MANE Select); coding-DNA position 169, G replaced by A.
Protein change: p.Val57Met; replaces valine 57 with methionine.
Molecular consequence: missense variant.
Genome position (GRCh38, 1-based): chr14:104,780,094, C>T on the plus strand (G>A on the coding strand, the complement: AKT1 is on the minus strand). VCF-style: chr14-104780094-C-T. GRCh37 (hg19) VCF-style: chr14-105246431-C-T.
Other names: c.169G>A, p.Val57Met (NM_001014431.2, NM_001014432.2, NM_001382431.1 and 3 more transcripts); short protein forms V57M.
Identifiers: ClinVar variation 5034410 (VCV005034410.1).

ClinVar aggregate classification (germline): Uncertain significance (1 of 4 stars; one submission).

Conditions:
Inborn genetic diseases. Identifiers: MedGen C0950123, MeSH D030342.

Submission:

Ambry Genetics
Classification: Uncertain significance for Inborn genetic diseases. Last evaluated: 2026-07-25. Review status: criteria provided, single submitter. Criteria: Ambry Variant Classification Scheme 2023. Collection method: clinical testing. Allele origin: germline.
Comment: The p.V57M variant (also known as c.169G>A), located in coding exon 2 of the AKT1 gene, results from a G to A substitution at nucleotide position 169. The valine at codon 57 is replaced by methionine, an amino acid with highly similar properties. This amino acid position is conserved. In addition, the in silico prediction for this alteration is inconclusive. Based on the available evidence, the clinical significance of this variant remains unclear.